The following is an entry in ClinVar:

NM_001042492.3(NF1):c.103_104del (p.Ser35fs)

Gene: NF1 (neurofibromin 1; plus strand). Cytogenetic location: 17q11.2.
Variant type: Deletion.
Coding change: c.103_104del on transcript NM_001042492.3 (MANE Select); coding-DNA positions 103 to 104, 2 bases deleted (AG; older notation c.103_104delAG).
Protein change: p.Ser35fs; shifts the reading frame from serine 35.
Molecular consequence: frameshift variant.
Genome position (GRCh38, 1-based): chr17:31,156,025-31,156,026, AG deleted. VCF-style (leftmost placement, unchanged base first): chr17-31156024-CAG-C. GRCh37 (hg19) VCF-style: chr17-29483042-CAG-C.
Other names: c.103_104del, p.Ser35fs (NM_000267.4, NM_001128147.3); short protein forms S35fs.
Identifiers: ClinVar variation 4712047 (VCV004712047.1).

ClinVar aggregate classification (germline): Pathogenic (1 of 4 stars; one submission).

Conditions:
Neurofibromatosis, type 1 (NF1). Also called: VON RECKLINGHAUSEN DISEASE; Peripheral type neurofibromatosis; NEUROFIBROMATOSIS, TYPE I, SOMATIC; Neurofibromatosis, type I. Identifiers: Orphanet 636, MedGen C0027831, MONDO:0018975, OMIM 162200. Disease mechanism: loss of function.

Submission:

Labcorp Genetics (formerly Invitae), Labcorp
Classification: Pathogenic for Neurofibromatosis, type 1. Last evaluated: 2025-01-30. Review status: criteria provided, single submitter. Criteria: Invitae Variant Classification Sherloc (09022015). Collection method: clinical testing. Allele origin: germline.
Comment: This sequence change creates a premature translational stop signal (p.Ser35Tyrfs*2) in the NF1 gene. It is expected to result in an absent or disrupted protein product. Loss-of-function variants in NF1 are known to be pathogenic (PMID: 10712197, 23913538). This variant is not present in population databases (gnomAD no frequency). This variant has not been reported in the literature in individuals affected with NF1-related conditions. For these reasons, this variant has been classified as Pathogenic.

Literature cited by the submitters: PubMed 10712197; PubMed 23913538.